The following is an entry in ClinVar:

NM_003072.5(SMARCA4):c.1749AAAGAA[1] (p.Lys587_Lys588del)

Gene: SMARCA4 (SWI/SNF related BAF chromatin remodeling complex subunit ATPase 4; plus strand). Cytogenetic location: 19p13.2.
Variant type: Microsatellite.
Coding change: c.1749AAAGAA[1] on transcript NM_003072.5 (MANE Select); one copy of the 6-base unit AAAGAA starting at c.1749; the reference has two copies in a row; one copy, 6 bases deleted; also written c.1755_1760del.
Protein change: p.Lys587_Lys588del.
Molecular consequence: inframe deletion. On other transcripts: non-coding transcript variant (1).
Genome position (GRCh38, 1-based): chr19:10,996,374-10,996,379, AAAGAA deleted; deleting any 6 consecutive bases within chr19:10,996,363-10,996,379 gives the same sequence; the position shown is the placement nearest the transcript's 3' end. VCF-style (leftmost placement, unchanged base first): chr19-10996362-GAAGAAA-G. GRCh37 (hg19) VCF-style: chr19-11107038-GAAGAAA-G.
Other names: c.1755_1760del (NM_003072.5, NM_001128849.1); c.1749AAAGAA[1], p.Lys587_Lys588del (NM_001128844.3, NM_001128845.2, NM_001128846.2 and 5 more transcripts).
Identifiers: ClinVar variation 663607 (VCV000663607.16), dbSNP rs1600082918, ClinGen allele CA915951657.

ClinVar aggregate classification (germline): Uncertain significance. Review status: criteria provided, multiple submitters, no conflicts (2 of 4 stars). 3 submissions from 3 submitters: Uncertain significance (3). Last evaluated 2025-11-23.

Conditions:
Rhabdoid tumor predisposition syndrome 2 (RTPS2). Identifiers: Orphanet 231108, Orphanet 69077, MedGen C2750074, MONDO:0013224, OMIM 613325.
Hereditary cancer-predisposing syndrome. Also called: Neoplastic Syndromes, Hereditary; Tumor predisposition; Hereditary neoplastic syndrome; Hereditary Cancer Syndrome. Identifiers: Orphanet 140162, MedGen C0027672, MeSH D009386, MONDO:0015356.

Submissions (3):

Labcorp Genetics (formerly Invitae), Labcorp
Classification: Uncertain significance for Rhabdoid tumor predisposition syndrome 2. Last evaluated: 2025-11-23. Review status: criteria provided, single submitter. Criteria: Invitae Variant Classification Sherloc (09022015). Collection method: clinical testing. Allele origin: germline.
Comment: This variant, c.1755_1760del, results in the deletion of 2 amino acid(s) of the SMARCA4 protein (p.Lys587_Lys588del), but otherwise preserves the integrity of the reading frame. This variant is not present in population databases (gnomAD no frequency). This variant has not been reported in the literature in individuals affected with SMARCA4-related conditions. ClinVar contains an entry for this variant (Variation ID: 663607). Experimental studies and prediction algorithms are not available or were not evaluated, and the functional significance of this variant is currently unknown. In summary, the available evidence is currently insufficient to determine the role of this variant in disease. Therefore, it has been classified as a Variant of Uncertain Significance.

Baylor Genetics
Classification: Uncertain significance for Rhabdoid tumor predisposition syndrome 2. Last evaluated: 2024-03-11. Review status: criteria provided, single submitter. Criteria: ACMG Guidelines, 2015. Collection method: clinical testing. Allele origin: unknown.

Ambry Genetics
Classification: Uncertain significance for Hereditary cancer-predisposing syndrome. Last evaluated: 2023-03-01. Review status: criteria provided, single submitter. Criteria: Ambry Variant Classification Scheme 2023. Collection method: clinical testing. Allele origin: germline.
Comment: The c.1755_1760delAAAGAA variant (also known as p.K587_K588del) is located in coding exon 9 of the SMARCA4 gene. This variant results from an in-frame AAAGAA deletion at nucleotide positions 1755 to 1760. This results in the in-frame deletion of two amino acid residues at codons 587 and 588. This variant has been detected in multiple individuals with no reported features of Coffin-Siris syndrome (Ambry internal data). These amino acid positions are highly conserved in available vertebrate species. Based on the supporting evidence, the association of this alteration with rhabdoid tumor predisposition syndrome is unknown; however, the association of this alteration with Coffin-Siris syndrome is unlikely